The following is an entry in ClinVar:

ClinVar aggregate classification (germline): Pathogenic. Review status: reviewed by expert panel (3 of 4 stars). 11 submissions from 11 submitters: Pathogenic (1). 10 of the submissions do not count toward it. Last evaluated 2016-09-08.

Conditions:
Inherited breast cancer and ovarian cancer.
Hereditary cancer-predisposing syndrome. Also called: Hereditary Cancer Syndrome; Tumor predisposition; Neoplastic Syndromes, Hereditary; Hereditary neoplastic syndrome. Identifiers: Orphanet 140162, MedGen C0027672, MeSH D009386, MONDO:0015356.
Hereditary breast ovarian cancer syndrome. Also called: Breast and ovarian cancer; BRCA1- and BRCA2-Associated Hereditary Breast and Ovarian Cancer; Hereditary breast and ovarian cancer; Hereditary breast and ovarian cancer syndrome (HBOC); Hereditary breast and ovarian cancer syndrome; Hereditary breast and/or ovarian cancer syndrome. Identifiers: Orphanet 145, MedGen C0677776, MeSH D061325, MONDO:0003582. Disease mechanism: loss of function.
Breast-ovarian cancer, familial, susceptibility to, 2 (BROVCA2). Also called: BRCA2 Hereditary Breast and Ovarian Cancer. Identifiers: Orphanet 145, MedGen C2675520, MONDO:0012933, OMIM 612555. Disease mechanism: loss of function.
Familial cancer of breast. Also called: BREAST CANCER, FAMILIAL; hereditary breast carcinoma; Hereditary breast cancer. Identifiers: Orphanet 227535, MedGen C0346153, MONDO:0016419, OMIM 114480. Disease mechanism: loss of function.

Submissions (11):

Evidence-based Network for the Interpretation of Germline Mutant Alleles (ENIGMA)
Classification: Pathogenic for Breast-ovarian cancer, familial, susceptibility to, 2. Last evaluated: 2016-09-08. Review status: reviewed by expert panel. Criteria: ENIGMA BRCA1/2 Classification Criteria (2015). Collection method: curation. Allele origin: germline.
Comment: Variant allele predicted to encode a truncated non-functional protein.

Genetics Laboratory, Great Ormond Street Hospital NHS Foundation Trust, North Thames Genomic Laboratory Hub
Classification: Pathogenic for Inherited breast cancer and ovarian cancer. Last evaluated: 2025-11-14. Review status: criteria provided, single submitter. Criteria: CanVIG BRCA Gene Specific V1.22. Collection method: clinical testing. Allele origin: germline. Affected: yes. Not counted in ClinVar's aggregate classification.
Comment: PM2_moderate, PVS1_very-strong, PM5_strong

Women's Health and Genetics/Laboratory Corporation of America, LabCorp
Classification: Pathogenic for Hereditary breast ovarian cancer syndrome. Last evaluated: 2025-07-14. Review status: criteria provided, single submitter. Criteria: LabCorp Variant Classification Summary - May 2015. Collection method: clinical testing. Allele origin: germline. Not counted in ClinVar's aggregate classification.
Comment: Variant summary: BRCA2 c.6487C>T (p.Gln2163X) results in a premature termination codon, predicted to cause a truncation of the encoded protein or absence of the protein due to nonsense mediated decay, which are commonly known mechanisms for disease. The variant was absent in 233610 control chromosomes. c.6487C>T has been observed in individual(s) affected with Hereditary Breast And Ovarian Cancer Syndrome (example: Herzog_2021). The following publication has been ascertained in the context of this evaluation (PMID: 34413315). ClinVar contains an entry for this variant (Variation ID: 91451). Based on the evidence outlined above, the variant was classified as pathogenic.

Labcorp Genetics (formerly Invitae), Labcorp
Classification: Pathogenic for Hereditary breast ovarian cancer syndrome. Last evaluated: 2025-03-27. Review status: criteria provided, single submitter. Criteria: Invitae Variant Classification Sherloc (09022015). Collection method: clinical testing. Allele origin: germline. Not counted in ClinVar's aggregate classification.
Comment: This sequence change creates a premature translational stop signal (p.Gln2163*) in the BRCA2 gene. It is expected to result in an absent or disrupted protein product. Loss-of-function variants in BRCA2 are known to be pathogenic (PMID: 20104584). This variant is not present in population databases (gnomAD no frequency). This premature translational stop signal has been observed in individual(s) with BRCA2-related conditions (PMID: 21520333). ClinVar contains an entry for this variant (Variation ID: 91451). For these reasons, this variant has been classified as Pathogenic.

CeGaT Center for Human Genetics Tuebingen
Classification: Pathogenic. Last evaluated: 2024-08-01. Review status: criteria provided, single submitter. Criteria: CeGaT Center For Human Genetics Tuebingen Variant Classification Criteria Version 2. Collection method: clinical testing. Allele origin: germline. Affected: yes. Observed: 2 variant alleles. Not counted in ClinVar's aggregate classification.
Comment: BRCA2: PVS1, PM2

Baylor Genetics
Classification: Pathogenic for Familial cancer of breast. Last evaluated: 2023-05-24. Review status: criteria provided, single submitter. Criteria: ACMG Guidelines, 2015. Collection method: clinical testing. Allele origin: unknown. Not counted in ClinVar's aggregate classification.

Ambry Genetics
Classification: Pathogenic for Hereditary cancer-predisposing syndrome. Last evaluated: 2023-01-30. Review status: criteria provided, single submitter. Criteria: Ambry Variant Classification Scheme 2023. Collection method: clinical testing. Allele origin: germline. Not counted in ClinVar's aggregate classification.
Comment: The p.Q2163* pathogenic mutation (also known as c.6487C>T), located in coding exon 10 of the BRCA2 gene, results from a C to T substitution at nucleotide position 6487. This changes the amino acid from a glutamine to a stop codon within coding exon 10. This alteration is expected to result in loss of function by premature protein truncation or nonsense-mediated mRNA decay. As such, this alteration is interpreted as a disease-causing mutation.

Color Diagnostics, LLC DBA Color Health
Classification: Pathogenic for Hereditary cancer-predisposing syndrome. Last evaluated: 2022-01-19. Review status: criteria provided, single submitter. Criteria: ACMG Guidelines, 2015. Collection method: clinical testing. Allele origin: germline. Not counted in ClinVar's aggregate classification.
Comment: This variant changes 1 nucleotide in exon 11 of the BRCA2 gene, creating a premature translation stop signal. This variant is expected to result in an absent or non-functional protein product. To our knowledge, functional studies have not been reported for this variant. This variant has been observed in an individual affected with early-onset breast cancer (Color data). This variant has not been identified in the general population by the Genome Aggregation Database (gnomAD). Loss of BRCA2 function is a known mechanism of disease. Based on the available evidence, this variant is classified as Pathogenic.

Quest Diagnostics Nichols Institute San Juan Capistrano
Classification: Pathogenic. Last evaluated: 2019-01-28. Review status: criteria provided, single submitter. Criteria: Quest Diagnostics criteria. Collection method: clinical testing. Allele origin: germline. Not counted in ClinVar's aggregate classification.
Comment: The variant creates a premature nonsense codon, and is therefore predicted to result in the loss of a functional protein. Found in at least one symptomatic patient, and not found in general population data.

GeneDx
Classification: Pathogenic. Last evaluated: 2016-11-11. Review status: criteria provided, single submitter. Criteria: GeneDx Variant Classification (06012015). Collection method: clinical testing. Allele origin: germline. Affected: yes. Not counted in ClinVar's aggregate classification.
Comment: This variant is denoted BRCA2 c.6487C>T at the cDNA level and p.Gln2163Ter (Q2163X) at the protein level. The substitution creates a nonsense variant, which changes a Glutamine to a premature stop codon (CAA>TAA), and is predicted to cause loss of normal protein function through either protein truncation or nonsense-mediated mRNA decay. Although this variant has not, to our knowledge, been reported in the literature, it is considered pathogenic.

Sharing Clinical Reports Project (SCRP)
Classification: Pathogenic for Breast-ovarian cancer, familial 2. Last evaluated: 2011-07-06. Review status: no assertion criteria provided. Collection method: clinical testing. Allele origin: germline. Not counted in ClinVar's aggregate classification.

Literature cited by the submitters: PubMed 34413315 (cited by Women's Health and Genetics/Laboratory Corporation of America, LabCorp); PubMed 20104584 (cited by Labcorp Genetics (formerly Invitae), Labcorp); PubMed 21520333 (cited by Labcorp Genetics (formerly Invitae), Labcorp).

NM_000059.4(BRCA2):c.6487C>T (p.Gln2163Ter)

Gene: BRCA2 (BRCA2 DNA repair associated; plus strand). Cytogenetic location: 13q13.1.
Variant type: single nucleotide variant.
Coding change: c.6487C>T on transcript NM_000059.4 (MANE Select); coding-DNA position 6487, C replaced by T.
Protein change: p.Gln2163Ter; replaces glutamine 2163 with a stop codon.
Molecular consequence: nonsense.
Genome position (GRCh38, 1-based): chr13:32,340,842, C>T. VCF-style: chr13-32340842-C-T. GRCh37 (hg19) VCF-style: chr13-32914979-C-T.
Other names: 6715C>T; short protein forms Q2163*.
Identifiers: ClinVar variation 91451 (VCV000091451.52), dbSNP rs398122559, ClinGen allele CA024103.